The following is an entry in ClinVar:

NM_018460.4(ARHGAP15):c.474+1G>A

Gene: ARHGAP15 (Rho GTPase activating protein 15; plus strand). Cytogenetic location: 2q22.2.
Variant type: single nucleotide variant.
Coding change: c.474+1G>A on transcript NM_018460.4 (MANE Select); the canonical splice donor site of the intron after coding-DNA position 474, G replaced by A.
Molecular consequence: splice donor variant.
Genome position (GRCh38, 1-based): chr2:143,250,601, G>A. VCF-style: chr2-143250601-G-A. GRCh37 (hg19) VCF-style: chr2-144008170-G-A.
Identifiers: ClinVar variation 2651391 (VCV002651391.24), dbSNP rs2468403381, ClinGen allele CA348852407.
Genomic context (GRCh38, chr2:143,250,601, plus strand): 5'-TTGTGTGGAGCACACATTGAATGGGCCAAGGAAAAATCGAGCAGAAAGAATGTCTTTCAG[G>A]TAAGAATGTTACATATATTCAATTTATTCCTATTCTCTCTAAATCTGAGCTCTCTTGGGT-3'

ClinVar aggregate classification (germline): Uncertain significance (1 of 4 stars; one submission).

Submission:

CeGaT Center for Human Genetics Tuebingen
Classification: Uncertain significance. Last evaluated: 2023-01-01. Review status: criteria provided, single submitter. Criteria: CeGaT Center For Human Genetics Tuebingen Variant Classification Criteria Version 2. Collection method: clinical testing. Allele origin: germline. Affected: yes. Observed: 1 variant allele.
Comment: ARHGAP15: PM2